The following is an entry in ClinVar:

ClinVar aggregate classification (germline): Uncertain significance (1 of 4 stars; one submission).

Submission:

GeneDx
Classification: Uncertain significance. Last evaluated: 2026-02-12. Review status: criteria provided, single submitter. Criteria: GeneDx Variant Classification Process June 2021. Collection method: clinical testing. Allele origin: germline.
Comment: Not observed at significant frequency in large population cohorts (gnomAD); In silico analysis suggests that this missense variant does not alter protein structure/function; Has not been previously published as pathogenic or benign to our knowledge

NM_001352027.3(PHF21A):c.524A>G (p.Asn175Ser)

Gene: PHF21A (PHD finger protein 21A; minus strand). Cytogenetic location: 11p11.2.
Variant type: single nucleotide variant.
Coding change: c.524A>G on transcript NM_001352027.3 (MANE Select); coding-DNA position 524, A replaced by G.
Protein change: p.Asn175Ser; replaces asparagine 175 with serine.
Molecular consequence: missense variant. On other transcripts: non-coding transcript variant (2), intron variant (1).
Genome position (GRCh38, 1-based): chr11:45,971,204, T>C on the plus strand (A>G on the coding strand, the complement: PHF21A is on the minus strand). VCF-style: chr11-45971204-T-C. GRCh37 (hg19) VCF-style: chr11-45992755-T-C.
Other names: c.524A>G, p.Asn175Ser (NM_001101802.3, NM_001352025.3, NM_001352026.3 and 7 more transcripts); c.521A>G, p.Asn174Ser (NM_001352030.3); c.545A>G, p.Asn182Ser (NM_001441167.1, NM_001441168.1); c.542A>G, p.Asn181Ser (NM_001441169.1); c.361-1300A>G (NM_001441172.1); short protein forms N174S, N175S, N181S, N182S.
Identifiers: ClinVar variation 4976560 (VCV004976560.1).